The following is an entry in ClinVar:

NM_001375524.1(TRRAP):c.437C>T (p.Pro146Leu)

Gene: TRRAP (transformation/transcription domain associated protein; plus strand). Cytogenetic location: 7q22.1.
Variant type: single nucleotide variant.
Coding change: c.437C>T on transcript NM_001375524.1 (MANE Select); coding-DNA position 437, C replaced by T.
Protein change: p.Pro146Leu; replaces proline 146 with leucine.
Molecular consequence: missense variant.
Genome position (GRCh38, 1-based): chr7:98,893,868, C>T. VCF-style: chr7-98893868-C-T. GRCh37 (hg19) VCF-style: chr7-98491491-C-T.
Other names: c.437C>T, p.Pro146Leu (NM_001244580.2, NM_003496.4); short protein forms P146L.
Identifiers: ClinVar variation 2076969 (VCV002076969.4), dbSNP rs782184459, ClinGen allele CA4359233.

ClinVar aggregate classification (germline): Uncertain significance (1 of 4 stars; one submission).

Allele frequency attached by ClinVar (database versions not stated): gnomAD 0.00001; gnomAD exomes 0.00001; ExAC 0.00006.
gnomAD v4.1: 15 of 1,613,092 alleles (0.00093%); highest among the groups gnomAD compares: East Asian, 0.0045%; no homozygotes.

Submission:

Labcorp Genetics (formerly Invitae), Labcorp
Classification: Uncertain significance. Last evaluated: 2022-07-24. Review status: criteria provided, single submitter. Criteria: Invitae Variant Classification Sherloc (09022015). Collection method: clinical testing. Allele origin: germline.
Comment: This variant is present in population databases (rs782184459, gnomAD 0.02%). This sequence change replaces proline, which is neutral and non-polar, with leucine, which is neutral and non-polar, at codon 146 of the TRRAP protein (p.Pro146Leu). This variant has not been reported in the literature in individuals affected with TRRAP-related conditions. In summary, the available evidence is currently insufficient to determine the role of this variant in disease. Therefore, it has been classified as a Variant of Uncertain Significance. Algorithms developed to predict the effect of missense changes on protein structure and function are either unavailable or do not agree on the potential impact of this missense change (SIFT: "Tolerated"; PolyPhen-2: "Possibly Damaging"; Align-GVGD: "Class C0").